The following is an entry in ClinVar:

NM_001384474.1(LOXHD1):c.3765G>A (p.Trp1255Ter)

Gene: LOXHD1 (lipoxygenase homology PLAT domains 1; minus strand). Cytogenetic location: 18q21.1.
Variant type: single nucleotide variant.
Coding change: c.3765G>A on transcript NM_001384474.1 (MANE Select); coding-DNA position 3765, G replaced by A.
Protein change: p.Trp1255Ter; replaces tryptophan 1255 with a stop codon.
Molecular consequence: nonsense.
Genome position (GRCh38, 1-based): chr18:46,541,924, C>T on the plus strand (G>A on the coding strand, the complement: LOXHD1 is on the minus strand). VCF-style: chr18-46541924-C-T. GRCh37 (hg19) VCF-style: chr18-44121887-C-T.
Other names: c.432G>A, p.Trp144Ter (NM_001145472.3); c.144G>A, p.Trp48Ter (NM_001308013.2); c.3765G>A, p.Trp1255Ter (NM_144612.7); short protein forms W1255*, W48*, W144*.
Identifiers: ClinVar variation 2013906 (VCV002013906.4), dbSNP rs2511713149, ClinGen allele CA402377703.

ClinVar aggregate classification (germline): Pathogenic (1 of 4 stars; one submission).

Submission:

Labcorp Genetics (formerly Invitae), Labcorp
Classification: Pathogenic. Last evaluated: 2022-07-04. Review status: criteria provided, single submitter. Criteria: Invitae Variant Classification Sherloc (09022015). Collection method: clinical testing. Allele origin: germline.
Comment: This sequence change creates a premature translational stop signal (p.Trp1255*) in the LOXHD1 gene. It is expected to result in an absent or disrupted protein product. Loss-of-function variants in LOXHD1 are known to be pathogenic (PMID: 19732867, 21465660, 25792669). This variant is not present in population databases (gnomAD no frequency). This variant has not been reported in the literature in individuals affected with LOXHD1-related conditions. For these reasons, this variant has been classified as Pathogenic.

Literature cited by the submitters: PubMed 19732867; PubMed 21465660; PubMed 25792669.